The following is an entry in ClinVar:

ClinVar aggregate classification (germline): Likely pathogenic. Review status: criteria provided, multiple submitters, no conflicts (2 of 4 stars). 3 submissions from 3 submitters: Likely pathogenic (3). Last evaluated 2025-07-31.

Conditions:
MPI-congenital disorder of glycosylation. Also called: CONGENITAL DISORDER OF GLYCOSYLATION, TYPE Ib; MPI-CDG; MPI DEFICIENCY; CDG Ib; MANNOSEPHOSPHATE ISOMERASE DEFICIENCY; PROTEIN-LOSING ENTEROPATHY-HEPATIC FIBROSIS SYNDROME. Identifiers: Orphanet 79319, MedGen C1865145, MONDO:0011257, OMIM 602579.

Submissions (3):

Natera, Inc.
Classification: Likely pathogenic for Congenital disorder of glycosylation type 1b. Last evaluated: 2025-07-31. Review status: criteria provided, single submitter. Criteria: Natera Variant Classification Schema (03/2026). Collection method: clinical testing. Allele origin: germline.
Comment: The c.497_498del variant in MPI is a frameshift variant predicted to shift the reading frame beginning at codon 166 and leads to a stop codon 8 codons downstream. This variant is expected to result in nonsense mediated decay, truncation, or a dysfunctional protein product. This variant is rare in the general population with a frequency below the threshold expected for the associated phenotype(s). Given the available evidence, this variant is classified as Likely Pathogenic.

Fulgent Genetics
Classification: Likely pathogenic for MPI-congenital disorder of glycosylation. Last evaluated: 2024-05-04. Review status: criteria provided, single submitter. Criteria: ACMG Guidelines, 2015. Collection method: clinical testing. Allele origin: germline.

Women's Health and Genetics/Laboratory Corporation of America, LabCorp
Classification: Likely pathogenic for MPI-congenital disorder of glycosylation. Last evaluated: 2022-01-19. Review status: criteria provided, single submitter. Criteria: LabCorp Variant Classification Summary - May 2015. Collection method: clinical testing. Allele origin: germline.
Comment: Variant summary: MPI c.497_498delAG (p.Glu166ValfsX8) results in a premature termination codon, predicted to cause a truncation of the encoded protein or absence of the protein due to nonsense mediated decay, which are commonly known mechanisms for disease. Truncations downstream of this position have been cited as pathogenic in ClinVar. The variant was absent in 251314 control chromosomes (gnomAD). To our knowledge, no occurrence of c.497_498delAG in individuals affected with Congenital Disorder Of Glycosylation Type 1B and no experimental evidence demonstrating its impact on protein function have been reported. No clinical diagnostic laboratories have submitted clinical-significance assessments for this variant to ClinVar after 2014. Based on the evidence outlined above, the variant was classified as likely pathogenic.

NM_002435.3(MPI):c.497_498del (p.Glu166fs)

Gene: MPI (mannose phosphate isomerase; plus strand). Cytogenetic location: 15q24.1.
Variant type: Deletion.
Coding change: c.497_498del on transcript NM_002435.3 (MANE Select); coding-DNA positions 497 to 498, 2 bases deleted (AG; older notation c.497_498delAG).
Protein change: p.Glu166fs; shifts the reading frame from glutamic acid 166.
Molecular consequence: frameshift variant. On other transcripts: intron variant (1).
Genome position (GRCh38, 1-based): chr15:74,893,147-74,893,148, AG deleted; deleting any 2 consecutive bases within chr15:74,893,146-74,893,148 gives the same sequence; the c. name uses the placement nearest the transcript's 3' end. VCF-style (leftmost placement, unchanged base first): chr15-74893145-TGA-T. GRCh37 (hg19) VCF-style: chr15-75185486-TGA-T.
Other names: c.497_498del, p.Glu166fs (NM_001289155.2); c.347_348del, p.Glu116fs (NM_001289156.2); c.437_438del, p.Glu146fs (NM_001330372.2); c.487+345_487+346del (NM_001289157.2); c.497_498del (NM_002435.2); short protein forms E116fs, E146fs, E166fs.
Identifiers: ClinVar variation 1339719 (VCV001339719.3), dbSNP rs2141200280, ClinGen allele CA2573054103.